The following is an entry in ClinVar:

ClinVar aggregate classification (germline): Uncertain significance. Review status: criteria provided, multiple submitters, no conflicts (2 of 4 stars). 2 submissions from 2 submitters: Uncertain significance (2). Last evaluated 2025-02-07.

Conditions:
Inborn genetic diseases. Identifiers: MedGen C0950123, MeSH D030342.

Allele frequency attached by ClinVar (database versions not stated): ExAC 0.00003.
gnomAD v4.1: 41 of 1,613,486 alleles (0.0025%); highest among the groups gnomAD compares: Non-Finnish European, 0.0034%; no homozygotes.

Submissions (2):

Ambry Genetics
Classification: Uncertain significance for Inborn genetic diseases. Last evaluated: 2025-02-07. Review status: criteria provided, single submitter. Criteria: Ambry Variant Classification Scheme 2023. Collection method: clinical testing. Allele origin: germline.

Labcorp Genetics (formerly Invitae), Labcorp
Classification: Uncertain significance. Last evaluated: 2021-09-24. Review status: criteria provided, single submitter. Criteria: Invitae Variant Classification Sherloc (09022015). Collection method: clinical testing. Allele origin: germline.
Comment: This sequence change replaces threonine with isoleucine at codon 689 of the DOCK6 protein (p.Thr689Ile). The threonine residue is moderately conserved and there is a moderate physicochemical difference between threonine and isoleucine. This variant is present in population databases (rs760261462, ExAC 0.005%). This variant has not been reported in the literature in individuals with DOCK6-related conditions. Algorithms developed to predict the effect of missense changes on protein structure and function (SIFT, PolyPhen-2, Align-GVGD) all suggest that this variant is likely to be tolerated, but these predictions have not been confirmed by published functional studies and their clinical significance is uncertain. In summary, the available evidence is currently insufficient to determine the role of this variant in disease. Therefore, it has been classified as a Variant of Uncertain Significance.

NM_020812.4(DOCK6):c.2066C>T (p.Thr689Ile)

Gene: DOCK6 (dedicator of cytokinesis 6; minus strand). Cytogenetic location: 19p13.2.
Variant type: single nucleotide variant.
Coding change: c.2066C>T on transcript NM_020812.4 (MANE Select); coding-DNA position 2066, C replaced by T.
Protein change: p.Thr689Ile; replaces threonine 689 with isoleucine.
Molecular consequence: missense variant.
Genome position (GRCh38, 1-based): chr19:11,237,463, G>A on the plus strand (C>T on the coding strand, the complement: DOCK6 is on the minus strand). VCF-style: chr19-11237463-G-A. GRCh37 (hg19) VCF-style: chr19-11348139-G-A.
Other names: c.2066C>T, p.Thr689Ile (NM_001367830.1); c.2066C>T (NM_020812.2); short protein forms T689I.
Identifiers: ClinVar variation 1447061 (VCV001447061.6), dbSNP rs760261462, ClinGen allele CA9207753.